The following is an entry in ClinVar:

NM_002691.4(POLD1):c.867C>T (p.Asp289=)

Gene: POLD1 (DNA polymerase delta 1, catalytic subunit; plus strand). Cytogenetic location: 19q13.33.
Variant type: single nucleotide variant.
Coding change: c.867C>T on transcript NM_002691.4 (MANE Select); coding-DNA position 867, C replaced by T.
Protein change: p.Asp289=; no amino-acid change (aspartic acid 289 retained).
Molecular consequence: synonymous variant. On other transcripts: non-coding transcript variant (1).
Genome position (GRCh38, 1-based): chr19:50,402,638, C>T. VCF-style: chr19-50402638-C-T. GRCh37 (hg19) VCF-style: chr19-50905895-C-T.
Other names: c.867C>T, p.Asp289= (NM_001256849.1, NM_001308632.1).
Identifiers: ClinVar variation 389031 (VCV000389031.13), dbSNP rs893257425, ClinGen allele CA16607904.

ClinVar aggregate classification (germline): Benign/Likely benign. Review status: criteria provided, multiple submitters, no conflicts (2 of 4 stars). 4 submissions from 4 submitters: Benign (1); Likely benign (3). Last evaluated 2025-10-25.

Conditions:
Hereditary cancer-predisposing syndrome. Also called: Neoplastic Syndromes, Hereditary; Hereditary neoplastic syndrome; Hereditary Cancer Syndrome; Tumor predisposition. Identifiers: Orphanet 140162, MedGen C0027672, MeSH D009386, MONDO:0015356.
POLD1-related polyposis and colorectal cancer syndrome (CRCS10). Also called: Colorectal cancer, susceptibility to, 10; Colorectal cancer 10; COLORECTAL CANCER, SUSCEPTIBILITY TO, ON CHROMOSOME 19q. Identifiers: Orphanet 220460, MedGen C2675481, MONDO:0012953, OMIM 612591.

Allele frequency attached by ClinVar (database versions not stated): gnomAD 0.00001; TOPMed 0.00003; gnomAD exomes below 0.00001.
gnomAD v4.1: 5 of 1,580,380 alleles (0.00032%); highest among the groups gnomAD compares: African/African-American, 0.004%; no homozygotes.

Submissions (4):

Labcorp Genetics (formerly Invitae), Labcorp
Classification: Likely benign for POLD1-related polyposis and colorectal cancer syndrome. Last evaluated: 2025-10-25. Review status: criteria provided, single submitter. Criteria: Invitae Variant Classification Sherloc (09022015). Collection method: clinical testing. Allele origin: germline.

Myriad Genetics, Inc.
Classification: Benign for POLD1-related polyposis and colorectal cancer syndrome. Last evaluated: 2025-02-05. Review status: criteria provided, single submitter. Criteria: Myriad Autosomal Dominant, Autosomal Recessive and X-Linked Classification Criteria (2023). Collection method: clinical testing. Allele origin: unknown.
Comment: This variant is considered benign. This variant is a silent/synonymous amino acid change and it is not expected to impact splicing.

Ambry Genetics
Classification: Likely benign for Hereditary cancer-predisposing syndrome. Last evaluated: 2019-12-13. Review status: criteria provided, single submitter. Criteria: Ambry Variant Classification Scheme 2023. Collection method: clinical testing. Allele origin: germline.

GeneDx
Classification: Likely benign. Last evaluated: 2016-08-30. Review status: criteria provided, single submitter. Criteria: GeneDx Variant Classification (06012015). Collection method: clinical testing. Allele origin: germline. Affected: yes.
Comment: This variant is considered likely benign or benign based on one or more of the following criteria: it is a conservative change, it occurs at a poorly conserved position in the protein, it is predicted to be benign by multiple in silico algorithms, and/or has population frequency not consistent with disease.